The following is an entry in ClinVar:

ClinVar aggregate classification (germline): Uncertain significance (1 of 4 stars; one submission).

Conditions:
TTN-related disorder. Also called: TTN-related disorders; TTN-related condition; TTN-related disease.

gnomAD v4.1: 4 of 1,613,162 alleles (0.00025%); highest among the groups gnomAD compares: African/African-American, 0.0053%; no homozygotes.

Submission:

PreventionGenetics, part of Exact Sciences
Classification: Uncertain significance for TTN-related condition. Last evaluated: 2025-11-24. Review status: criteria provided, single submitter. Criteria: ACMG Guidelines, 2015. Collection method: clinical testing. Allele origin: germline.
Comment: The TTN c.11311+2812A>G variant is predicted to interfere with splicing. This variant is also referred to as c.12088A>G (p.Met4030Val) in the Novex-3 transcript NM_133379. This variant is located in exon 46 of the Novex-3 transcript (minor small cardiac isoform) which is the last exon of this transcript. This exon is not included in any other TTN transcripts (principle cardiac or skeletal muscle isoforms). To our knowledge, this variant has not been reported in the literature. This variant is reported in 0.016% of alleles in individuals of African descent in gnomAD. At this time, the clinical significance of this variant is uncertain due to the absence of conclusive functional and genetic evidence.

NM_001267550.2(TTN):c.11311+2812A>G

Gene: TTN (titin; minus strand). Cytogenetic location: 2q31.2.
Variant type: single nucleotide variant.
Coding change: c.11311+2812A>G on transcript NM_001267550.2 (MANE Select); 2812 bases into the intron after coding-DNA position 11311, A replaced by G.
Molecular consequence: intron variant. On other transcripts: missense variant (1).
Genome position (GRCh38, 1-based): chr2:178,750,312, T>C on the plus strand (A>G on the coding strand, the complement: TTN is on the minus strand). VCF-style: chr2-178750312-T-C. GRCh37 (hg19) VCF-style: chr2-179615039-T-C.
Other names: c.12088A>G, p.Met4030Val (NM_133379.5); c.10222+2812A>G (NM_003319.4); c.10798+2812A>G (NM_133437.4); c.10597+2812A>G (NM_133432.3); c.10360+2812A>G (NM_133378.4, NM_001256850.1); short protein forms M4030V.
Identifiers: ClinVar variation 4988645 (VCV004988645.1).